The following is an entry in ClinVar:

ClinVar aggregate classification (germline): Pathogenic (1 of 4 stars; one submission).

Conditions:
Bardet-Biedl syndrome (BBS). Identifiers: Orphanet 110, MedGen C0752166, MONDO:0015229.

Submission:

Women's Health and Genetics/Laboratory Corporation of America, LabCorp
Classification: Pathogenic for Bardet-Biedl syndrome. Last evaluated: 2023-03-29. Review status: criteria provided, single submitter. Criteria: LabCorp Variant Classification Summary - May 2015. Collection method: clinical testing. Allele origin: germline.
Comment: Variant summary: The variant identified by MLPA or other technology involves the deletion of exons 3-4 in the BBS4 gene. A presumed nomenclature of c.(76+1_77-1)_(220+1_221-1)del has been designated for the purposes of this classification. Although exact breakpoints of this deletion are not known, it is expected to result in a large in-frame deletion in the BBS4 gene, a known mechanism of disease. The variant was absent in 21428 control chromosomes (gnomAD, structural variants dataset). c.(76+1_77-1)_(220+1_221-1)del has been reported in the literature in the homozygous state in multiple individuals affected with Bardet-Biedl Syndrome and has been found to segregate with the disease phenotype within families (e.g. Mykytyn_2001). These data indicate that the variant is very likely to be associated with disease. Two submitters have provided clinical-significance assessments for this variant to ClinVar after 2014 and classified the variant as pathogenic and likely pathogenic. Based on the evidence outlined above, the variant was classified as pathogenic.

Literature cited by the submitters: PubMed 11381270.

NC_000015.9:g.(72987570_73002040)_(73004649_73007631)del

Gene: BBS4 (Bardet-Biedl syndrome 4; plus strand). Cytogenetic location: 15q24.1.
Variant type: Deletion.
Identifiers: ClinVar variation 2501272 (VCV002501272.1).